The following is an entry in ClinVar:

NM_024496.4(IRF2BPL):c.161C>A (p.Ala54Glu)

Genes: IRF2BPL (interferon regulatory factor 2 binding protein like; minus strand), LOC107984638 (uncharacterized LOC107984638; plus strand). Cytogenetic location: 14q24.3.
Variant type: single nucleotide variant.
Coding change: c.161C>A on transcript NM_024496.4 (MANE Select); coding-DNA position 161, C replaced by A.
Protein change: p.Ala54Glu; replaces alanine 54 with glutamic acid.
Molecular consequence: missense variant. On other transcripts: non-coding transcript variant (3).
Genome position (GRCh38, 1-based): chr14:77,027,632, G>T on the plus strand (C>A on the coding strand, the complement: IRF2BPL is on the minus strand). VCF-style: chr14-77027632-G-T. GRCh37 (hg19) VCF-style: chr14-77493975-G-T.
Other names: short protein forms A54E.
Identifiers: ClinVar variation 5017026 (VCV005017026.1).

ClinVar aggregate classification (germline): Uncertain significance (1 of 4 stars; one submission).

Submission:

GeneDx
Classification: Uncertain significance. Last evaluated: 2026-03-25. Review status: criteria provided, single submitter. Criteria: GeneDx Variant Classification Process June 2021. Collection method: clinical testing. Allele origin: germline.
Comment: Not observed at significant frequency in large population cohorts (gnomAD); In silico analysis supports that this missense variant has a deleterious effect on protein structure/function; Has not been previously published as pathogenic or benign to our knowledge